The following is an entry in ClinVar:

NM_001711.6(BGN):c.144C>A (p.Gly48=)

Gene: BGN (biglycan; plus strand). Cytogenetic location: Xq28.
Variant type: single nucleotide variant.
Coding change: c.144C>A on transcript NM_001711.6 (MANE Select); coding-DNA position 144, C replaced by A.
Protein change: p.Gly48=; no amino-acid change (glycine 48 retained).
Molecular consequence: synonymous variant.
Genome position (GRCh38, 1-based): chrX:153,504,775, C>A. VCF-style: chrX-153504775-C-A. GRCh37 (hg19) VCF-style: chrX-152770233-C-A.
Identifiers: ClinVar variation 1339642 (VCV001339642.32), dbSNP rs371932706, ClinGen allele CA10547132.

ClinVar aggregate classification (germline): Likely benign. Review status: criteria provided, multiple submitters, no conflicts (2 of 4 stars). 4 submissions from 4 submitters: Likely benign (4). Last evaluated 2024-12-31.

Conditions:
Cardiovascular phenotype. Identifiers: MedGen CN230736.

Allele frequency attached by ClinVar (database versions not stated): ESP Exome Variant Server 0.00009.
gnomAD v4.1: 60 of 1,210,080 alleles (0.005%); highest among the groups gnomAD compares: Non-Finnish European, 0.0065%; no homozygotes.

Submissions (4):

Labcorp Genetics (formerly Invitae), Labcorp
Classification: Likely benign. Last evaluated: 2024-12-31. Review status: criteria provided, single submitter. Criteria: Invitae Variant Classification Sherloc (09022015). Collection method: clinical testing. Allele origin: germline.

CeGaT Center for Human Genetics Tuebingen
Classification: Likely benign. Last evaluated: 2022-09-01. Review status: criteria provided, single submitter. Criteria: CeGaT Center For Human Genetics Tuebingen Variant Classification Criteria Version 2. Collection method: clinical testing. Allele origin: germline. Affected: yes. Observed: 1 variant allele.
Comment: BGN: BP4, BP7

GeneDx
Classification: Likely benign. Last evaluated: 2021-08-03. Review status: criteria provided, single submitter. Criteria: GeneDx Variant Classification Process June 2021. Collection method: clinical testing. Allele origin: germline. Affected: yes.

Ambry Genetics
Classification: Likely benign for Cardiovascular phenotype. Last evaluated: 2021-03-01. Review status: criteria provided, single submitter. Criteria: Ambry Variant Classification Scheme 2023. Collection method: clinical testing. Allele origin: germline.